The following is an entry in ClinVar:

NM_001143986.2(TLE6):c.1615-6C>T

Gene: TLE6 (TLE family member 6, subcortical maternal complex member; plus strand). Cytogenetic location: 19p13.3.
Variant type: single nucleotide variant.
Coding change: c.1615-6C>T on transcript NM_001143986.2 (MANE Select); 6 bases into the intron before coding-DNA position 1615, C replaced by T.
Molecular consequence: intron variant.
Genome position (GRCh38, 1-based): chr19:2,994,894, C>T. VCF-style: chr19-2994894-C-T. GRCh37 (hg19) VCF-style: chr19-2994892-C-T.
Other names: c.1246-6C>T (NM_024760.3).
Identifiers: ClinVar variation 741067 (VCV000741067.5), dbSNP rs372086778, ClinGen allele CA9073231.

ClinVar aggregate classification (germline): Benign. Review status: criteria provided, single submitter (1 of 4 stars). 2 submissions from 2 submitters: Benign (1). 1 of the submissions does not count toward it. Last evaluated 2018-06-18.

Conditions:
TLE6-related disorder. Also called: TLE6-related condition.

Allele frequency attached by ClinVar (database versions not stated): ESP Exome Variant Server 0.00046.
gnomAD v4.1: 218 of 1,583,830 alleles (0.014%); highest among the groups gnomAD compares: African/African-American, 0.18%; 1 homozygote.

Submissions (2):

Labcorp Genetics (formerly Invitae), Labcorp
Classification: Benign. Last evaluated: 2018-06-18. Review status: criteria provided, single submitter. Criteria: Invitae Variant Classification Sherloc (09022015). Collection method: clinical testing. Allele origin: germline.

PreventionGenetics, part of Exact Sciences
Classification: Likely benign for TLE6-related condition. Last evaluated: 2019-06-14. Review status: no assertion criteria provided. Collection method: clinical testing. Allele origin: germline. Not counted in ClinVar's aggregate classification.
Comment: This variant is classified as likely benign based on ACMG/AMP sequence variant interpretation guidelines (Richards et al. 2015 PMID: 25741868, with internal and published modifications).